The following is an entry in ClinVar:

ClinVar aggregate classification (germline): Uncertain significance (1 of 4 stars; one submission).

Conditions:
Mucopolysaccharidosis, MPS-III-B (MPS3B). Also called: N-ACETYL-ALPHA-D-GLUCOSAMINIDASE DEFICIENCY; NAGLU DEFICIENCY; SANFILIPPO SYNDROME B; MPS III B; Mucopolysaccharidosis type IIIB (Sanfilippo B); MPS IIIB (Sanfilippo Syndrome Type B). Identifiers: Orphanet 79270, MedGen C0086648, MONDO:0009656, OMIM 252920.
Charcot-Marie-Tooth disease axonal type 2V. Also called: CHARCOT-MARIE-TOOTH NEUROPATHY, TYPE 2V; CHARCOT-MARIE-TOOTH DISEASE, AXONAL, AUTOSOMAL DOMINANT, TYPE 2V. Identifiers: Orphanet 447964, MedGen C5569050, MONDO:0014665, OMIM 616491.

Submission:

Labcorp Genetics (formerly Invitae), Labcorp
Classification: Uncertain significance for Charcot-Marie-Tooth disease axonal type 2V; Mucopolysaccharidosis, MPS-III-B. Last evaluated: 2022-05-12. Review status: criteria provided, single submitter. Criteria: Invitae Variant Classification Sherloc (09022015). Collection method: clinical testing. Allele origin: germline.
Comment: This sequence change replaces asparagine, which is neutral and polar, with tyrosine, which is neutral and polar, at codon 641 of the NAGLU protein (p.Asn641Tyr). This variant is not present in population databases (gnomAD no frequency). This variant has not been reported in the literature in individuals affected with NAGLU-related conditions. Advanced modeling of protein sequence and biophysical properties (such as structural, functional, and spatial information, amino acid conservation, physicochemical variation, residue mobility, and thermodynamic stability) performed at Invitae indicates that this missense variant is expected to disrupt NAGLU protein function. In summary, the available evidence is currently insufficient to determine the role of this variant in disease. Therefore, it has been classified as a Variant of Uncertain Significance.

NM_000263.4(NAGLU):c.1921A>T (p.Asn641Tyr)

Gene: NAGLU (N-acetyl-alpha-glucosaminidase; plus strand). Cytogenetic location: 17q21.2.
Variant type: single nucleotide variant.
Coding change: c.1921A>T on transcript NM_000263.4 (MANE Select); coding-DNA position 1921, A replaced by T.
Protein change: p.Asn641Tyr; replaces asparagine 641 with tyrosine.
Molecular consequence: missense variant.
Genome position (GRCh38, 1-based): chr17:42,543,927, A>T. VCF-style: chr17-42543927-A-T. GRCh37 (hg19) VCF-style: chr17-40695945-A-T.
Other names: short protein forms N641Y.
Identifiers: ClinVar variation 1993786 (VCV001993786.1), dbSNP rs2510660677, ClinGen allele CA399605483.